The following is an entry in ClinVar:

NM_001379451.1(BCORL1):c.2793G>A (p.Gly931=)

Gene: BCORL1 (BCL6 corepressor like 1; plus strand). Cytogenetic location: Xq26.1.
Variant type: single nucleotide variant.
Coding change: c.2793G>A on transcript NM_001379451.1 (MANE Select); coding-DNA position 2793, G replaced by A.
Protein change: p.Gly931=; no amino-acid change (glycine 931 retained).
Molecular consequence: synonymous variant.
Genome position (GRCh38, 1-based): chrX:130,015,565, G>A. VCF-style: chrX-130015565-G-A. GRCh37 (hg19) VCF-style: chrX-129149541-G-A.
Other names: c.2793G>A, p.Gly931= (NM_001184772.3, NM_001379450.1, NM_001441326.1 and 7 more transcripts).
Identifiers: ClinVar variation 4874299 (VCV004874299.2).

ClinVar aggregate classification (germline): Likely benign (1 of 4 stars; one submission).

gnomAD v4.1: 1 of 1,212,271 alleles (0.000082%); highest among the groups gnomAD compares: Non-Finnish European, 0.00011%; no homozygotes.

Submission:

CeGaT Center for Human Genetics Tuebingen
Classification: Likely benign. Last evaluated: 2026-06-01. Review status: criteria provided, single submitter. Criteria: CeGaT Center For Human Genetics Tuebingen Variant Classification Criteria Version 2. Collection method: clinical testing. Allele origin: germline. Affected: yes. Observed: 1 variant allele.
Comment: BCORL1: BP4, BP7